The following is an entry in ClinVar:

ClinVar aggregate classification (germline): Likely benign (1 of 4 stars; one submission).

Allele frequency attached by ClinVar (database versions not stated): TOPMed 0.00001; gnomAD 0.00002; gnomAD exomes 0.00004; ExAC 0.00010.
gnomAD v4.1: 67 of 1,613,944 alleles (0.0042%); highest among the groups gnomAD compares: South Asian, 0.058%; no homozygotes.

Submission:

CeGaT Center for Human Genetics Tuebingen
Classification: Likely benign. Last evaluated: 2023-12-01. Review status: criteria provided, single submitter. Criteria: CeGaT Center For Human Genetics Tuebingen Variant Classification Criteria Version 2. Collection method: clinical testing. Allele origin: germline. Affected: yes. Observed: 2 variant alleles.
Comment: NARS1: BP4, BP7

NM_004539.4(NARS1):c.1044C>T (p.Asp348=)

Gene: NARS1 (asparaginyl-tRNA synthetase 1; minus strand). Cytogenetic location: 18q21.31.
Variant type: single nucleotide variant.
Coding change: c.1044C>T on transcript NM_004539.4 (MANE Select); coding-DNA position 1044, C replaced by T.
Protein change: p.Asp348=; no amino-acid change (aspartic acid 348 retained).
Molecular consequence: synonymous variant.
Genome position (GRCh38, 1-based): chr18:57,606,709, G>A on the plus strand (C>T on the coding strand, the complement: NARS1 is on the minus strand). VCF-style: chr18-57606709-G-A. GRCh37 (hg19) VCF-style: chr18-55273941-G-A.
Identifiers: ClinVar variation 2648751 (VCV002648751.24), dbSNP rs755696449, ClinGen allele CA8973534.